The following is an entry in ClinVar:

ClinVar aggregate classification (germline): Uncertain significance (1 of 4 stars; one submission).

Conditions:
Brugada syndrome. Also called: Sudden unexpected nocturnal death syndrome; Sudden unexplained nocturnal death syndrome; Sudden Unexplained Death Syndrome; Sudden Unexplained Nocturnal Death Syndrome (SUNDS). Identifiers: Orphanet 130, MedGen C1142166, MONDO:0015263.

Submission:

Labcorp Genetics (formerly Invitae), Labcorp
Classification: Uncertain significance for Brugada syndrome. Last evaluated: 2025-02-25. Review status: criteria provided, single submitter. Criteria: Invitae Variant Classification Sherloc (09022015). Collection method: clinical testing. Allele origin: germline.
Comment: This sequence change replaces threonine, which is neutral and polar, with proline, which is neutral and non-polar, at codon 11 of the KCNE5 protein (p.Thr11Pro). This variant is not present in population databases (gnomAD no frequency). This variant has not been reported in the literature in individuals affected with KCNE5-related conditions. An algorithm developed to predict the effect of missense changes on protein structure and function (PolyPhen-2) suggests that this variant is likely to be tolerated. In summary, the available evidence is currently insufficient to determine the role of this variant in disease. Therefore, it has been classified as a Variant of Uncertain Significance.

NM_012282.4(KCNE5):c.31A>C (p.Thr11Pro)

Gene: KCNE5 (potassium voltage-gated channel subfamily E regulatory subunit 5; minus strand). Cytogenetic location: Xq23.
Variant type: single nucleotide variant.
Coding change: c.31A>C on transcript NM_012282.4 (MANE Select); coding-DNA position 31, A replaced by C.
Protein change: p.Thr11Pro; replaces threonine 11 with proline.
Molecular consequence: missense variant.
Genome position (GRCh38, 1-based): chrX:109,624,990, T>G on the plus strand (A>C on the coding strand, the complement: KCNE5 is on the minus strand). VCF-style: chrX-109624990-T-G. GRCh37 (hg19) VCF-style: chrX-108868219-T-G.
Other names: short protein forms T11P.
Identifiers: ClinVar variation 4799200 (VCV004799200.1).